The following is an entry in ClinVar:

ClinVar aggregate classification (germline): Uncertain significance (1 of 4 stars; one submission).

Conditions:
Muscle AMP deaminase deficiency (MMDD). Also called: Myoadenylate deaminase deficiency, myopathy due to; AMPD1 DEFICIENCY; ADENOSINE MONOPHOSPHATE DEAMINASE-1 DEFICIENCY, MYOPATHY DUE TO; Adenosine monophosphate deaminase 1 deficiency; AMP deaminase 1 deficiency; Adenosine Monophosphate Deaminase 1. Identifiers: Orphanet 45, MedGen C3714933, MONDO:0014220, OMIM 615511.

Allele frequency attached by ClinVar (database versions not stated): gnomAD 0.00006; TOPMed 0.00008; ExAC 0.00014; 1000 Genomes Project 0.00040; 1000 Genomes Project 30x 0.00078.
gnomAD v4.1: 54 of 1,610,400 alleles (0.0034%); highest among the groups gnomAD compares: East Asian, 0.11%; no homozygotes.

Submission:

Labcorp Genetics (formerly Invitae), Labcorp
Classification: Uncertain significance for Muscle AMP deaminase deficiency. Last evaluated: 2022-07-17. Review status: criteria provided, single submitter. Criteria: Invitae Variant Classification Sherloc (09022015). Collection method: clinical testing. Allele origin: germline.
Comment: This sequence change replaces methionine, which is neutral and non-polar, with leucine, which is neutral and non-polar, at codon 489 of the AMPD1 protein (p.Met489Leu). This variant is present in population databases (rs182702476, gnomAD 0.2%). This variant has not been reported in the literature in individuals affected with AMPD1-related conditions. Algorithms developed to predict the effect of missense changes on protein structure and function (SIFT, PolyPhen-2, Align-GVGD) all suggest that this variant is likely to be tolerated. In summary, the available evidence is currently insufficient to determine the role of this variant in disease. Therefore, it has been classified as a Variant of Uncertain Significance.

NM_000036.3(AMPD1):c.1366A>T (p.Met456Leu)

Gene: AMPD1 (adenosine monophosphate deaminase 1; minus strand). Cytogenetic location: 1p13.2.
Variant type: single nucleotide variant.
Coding change: c.1366A>T on transcript NM_000036.3 (MANE Select); coding-DNA position 1366, A replaced by T.
Protein change: p.Met456Leu; replaces methionine 456 with leucine.
Molecular consequence: missense variant.
Genome position (GRCh38, 1-based): chr1:114,677,373, T>A on the plus strand (A>T on the coding strand, the complement: AMPD1 is on the minus strand). VCF-style: chr1-114677373-T-A. GRCh37 (hg19) VCF-style: chr1-115219994-T-A.
Other names: c.1354A>T, p.Met452Leu (NM_001172626.2); short protein forms M452L, M456L.
Identifiers: ClinVar variation 2052070 (VCV002052070.1), dbSNP rs182702476, ClinGen allele CA1020147.